The following is an entry in ClinVar:

NC_000003.12:g.48582359dup

Gene: COL7A1 (collagen type VII alpha 1 chain; minus strand). Cytogenetic location: 3p21.31.
Variant type: Duplication.
Genome position: GRCh38 VCF-style: chr3-48582354-T-TC. GRCh37 (hg19) VCF-style: chr3-48619787-T-TC.
Identifiers: ClinVar variation 2741167 (VCV002741167.3), dbSNP rs2044824444, ClinGen allele CA1363079120.

ClinVar aggregate classification (germline): Pathogenic (1 of 4 stars; one submission).

Submission:

Labcorp Genetics (formerly Invitae), Labcorp
Classification: Pathogenic. Last evaluated: 2025-11-02. Review status: criteria provided, single submitter. Criteria: Invitae Variant Classification Sherloc (09022015). Collection method: clinical testing. Allele origin: germline.
Comment: This sequence change creates a premature translational stop signal (p.Glu1535Glyfs*74) in the COL7A1 gene. It is expected to result in an absent or disrupted protein product. Loss-of-function variants in COL7A1 are known to be pathogenic (PMID: 16971478). This variant is not present in population databases (gnomAD no frequency). This variant has not been reported in the literature in individuals affected with COL7A1-related conditions. ClinVar contains an entry for this variant (Variation ID: 2741167). For these reasons, this variant has been classified as Pathogenic.

Literature cited by the submitters: PubMed 16971478.